The following is an entry in ClinVar:

NM_000218.3(KCNQ1):c.1909C>G (p.His637Asp)

Genes: KCNQ1-AS1 (KCNQ1 antisense RNA 1; minus strand), KCNQ1 (potassium voltage-gated channel subfamily Q member 1; plus strand). Cytogenetic location: 11p15.4.
Variant type: single nucleotide variant.
Coding change: c.1909C>G on transcript NM_000218.3 (MANE Select); coding-DNA position 1909, C replaced by G.
Protein change: p.His637Asp; replaces histidine 637 with aspartic acid.
Molecular consequence: missense variant.
Genome position (GRCh38, 1-based): chr11:2,847,881, C>G. VCF-style: chr11-2847881-C-G. GRCh37 (hg19) VCF-style: chr11-2869111-C-G.
Other names: c.1813C>G, p.His605Asp (NM_001406836.1); c.1639C>G, p.His547Asp (NM_001406837.1); c.1369C>G, p.His457Asp (NM_001406838.1); c.421C>G, p.His141Asp (NM_001406839.1); c.1528C>G, p.His510Asp (NM_181798.2); short protein forms H141D, H457D, H510D, H547D, H605D, H637D.
Identifiers: ClinVar variation 3386956 (VCV003386956.1).
Genomic context (GRCh38, chr11:2,847,881, plus strand): 5'-CTCTCCTTGCACGGTGGCAGCACCCCCGGCAGCGGCGGCCCCCCCAGAGAGGGCGGGGCC[C>G]ACATCACCCAGCCCTGCGGCAGTGGCGGCTCCGTCGACCCTGAGCTCTTCCTGCCCAGCA-3'
Protein context (NP_000209.2, residues 627-647): SGGPPREGGA[His637Asp]ITQPCGSGGS

ClinVar aggregate classification (germline): Uncertain significance (1 of 4 stars; one submission).

Conditions:
Long QT syndrome (LQTS). Identifiers: MedGen C0023976, MeSH D008133, MONDO:0002442. Disease mechanism: loss of function. Inheritance: Various modes of inheritance.

Submission:

All of Us Research Program, National Institutes of Health
Classification: Uncertain significance for Long QT syndrome. Last evaluated: 2024-05-30. Review status: criteria provided, single submitter. Criteria: ACMG Guidelines, 2015. Collection method: clinical testing. Allele origin: germline. Inheritance: Autosomal dominant inheritance. Observed: 1 variant allele, 1 heterozygote.
Comment: This missense variant replaces histidine with aspartic acid at codon 637 of the KCNQ1 protein. Computational prediction is inconclusive regarding the impact of this variant on protein structure and function (internally defined REVEL score threshold 0.5 < inconclusive < 0.7, PMID: 27666373). To our knowledge, functional studies have not been reported for this variant. This variant has not been reported in individuals affected with KCNQ1-related disorders in the literature. This variant has not been identified in the general population by the Genome Aggregation Database (gnomAD). The available evidence is insufficient to determine the role of this variant in disease conclusively. Therefore, this variant is classified as a Variant of Uncertain Significance.

This study involves interpretation of variants in research participants for the purpose of population health screening. Participant phenotype was not available at the time of variant classification. Additional details can be found in publication PMID: 35346344, PMCID: PMC8962531